The following is an entry in ClinVar:

ClinVar aggregate classification (germline): Benign. Review status: criteria provided, multiple submitters, no conflicts (2 of 4 stars). 5 submissions from 4 submitters: Benign (5). Last evaluated 2021-07-30.

Conditions:
Fibromuscular dysplasia, multifocal. Identifiers: MedGen C5543412, MONDO:0859151, OMIM 619329.
Ehlers-Danlos syndrome, classic type, 1 (EDSCL1). Also called: Ehlers-Danlos Syndrome, Classic Type, COL5A1-Related; EHLERS-DANLOS SYNDROME, GRAVIS TYPE; EHLERS-DANLOS SYNDROME, SEVERE CLASSIC TYPE; Ehlers-Danlos syndrome, type 1; EDS I. Identifiers: MedGen C0268335, MONDO:0019567, OMIM 130000.

Allele frequency attached by ClinVar (database versions not stated): 1000 Genomes Project 30x 0.20487; gnomAD exomes 0.21040 and 0.22436; ExAC 0.21391; 1000 Genomes Project 0.20907; ESP Exome Variant Server 0.20978; gnomAD 0.20802 and 0.20873; TOPMed 0.20855.
gnomAD v4.1: 348,602 of 1,565,750 alleles (22%); highest among the groups gnomAD compares: East Asian, 38%; 41,227 homozygotes.

Submissions (5):

Genome-Nilou Lab
Classification: Benign for Ehlers-Danlos syndrome, classic type, 1. Last evaluated: 2021-07-30. Review status: criteria provided, single submitter. Criteria: ACMG Guidelines, 2015. Collection method: clinical testing. Allele origin: germline. Affected: no.

Genome-Nilou Lab
Classification: Benign for Fibromuscular dysplasia, multifocal. Last evaluated: 2021-07-30. Review status: criteria provided, single submitter. Criteria: ACMG Guidelines, 2015. Collection method: clinical testing. Allele origin: germline. Affected: no.

GeneDx
Classification: Benign. Last evaluated: 2018-06-18. Review status: criteria provided, single submitter. Criteria: GeneDx Variant Classification (06012015). Collection method: clinical testing. Allele origin: germline. Affected: yes.
Comment: This variant is considered likely benign or benign based on one or more of the following criteria: it is a conservative change, it occurs at a poorly conserved position in the protein, it is predicted to be benign by multiple in silico algorithms, and/or has population frequency not consistent with disease.

Breakthrough Genomics
Classification: Benign. Review status: criteria provided, single submitter. Criteria: ACMG Guidelines, 2015. Collection method: not provided. Allele origin: germline. Inheritance: Autosomal dominant inheritance. Affected: yes.

PreventionGenetics, part of Exact Sciences
Classification: Benign. Review status: criteria provided, single submitter. Criteria: ACMG Guidelines, 2015. Collection method: clinical testing. Allele origin: germline.

NM_000093.5(COL5A1):c.1720-34C>T

Gene: COL5A1 (collagen type V alpha 1 chain; plus strand). Cytogenetic location: 9q34.3.
Variant type: single nucleotide variant.
Coding change: c.1720-34C>T on transcript NM_000093.5 (MANE Select); 34 bases into the intron before coding-DNA position 1720, C replaced by T.
Molecular consequence: intron variant.
Genome position (GRCh38, 1-based): chr9:134,753,816, C>T. VCF-style: chr9-134753816-C-T. GRCh37 (hg19) VCF-style: chr9-137645662-C-T.
Other names: c.1720-34C>T (NM_001278074.1).
Identifiers: ClinVar variation 255054 (VCV000255054.6), dbSNP rs73558067, ClinGen allele CA5318930.